The following is an entry in ClinVar:

NM_003289.4(TPM2):c.674T>C (p.Ile225Thr)

Gene: TPM2 (tropomyosin 2; minus strand). Cytogenetic location: 9p13.3.
Variant type: single nucleotide variant.
Coding change: c.674T>C on transcript NM_003289.4 (MANE Select); coding-DNA position 674, T replaced by C.
Protein change: p.Ile225Thr; replaces isoleucine 225 with threonine.
Molecular consequence: missense variant.
Genome position (GRCh38, 1-based): chr9:35,684,516, A>G on the plus strand (T>C on the coding strand, the complement: TPM2 is on the minus strand). VCF-style: chr9-35684516-A-G. GRCh37 (hg19) VCF-style: chr9-35684513-A-G.
Other names: c.674T>C, p.Ile225Thr (NM_001301226.2, NM_001301227.2, NM_213674.1); short protein forms I225T.
Identifiers: ClinVar variation 4686616 (VCV004686616.1).

ClinVar aggregate classification (germline): Likely benign (1 of 4 stars; one submission).

Conditions:
Arthrogryposis, distal, type 1A. Also called: ARTHROGRYPOSIS MULTIPLEX CONGENITA, DISTAL, TYPE I. Identifiers: Orphanet 1146, MedGen C6022280, MONDO:0007157, OMIM 108120.

Submission:

Medical Genetics Laboratory, Niloo Shiraz Laboratory
Classification: Likely benign for Arthrogryposis, distal, type 1A. Review status: criteria provided, single submitter. Criteria: ACMG Guidelines, 2015. Collection method: clinical testing. Allele origin: germline. Inheritance: Autosomal dominant inheritance. Affected: no.
Comment: Given its presence in a phenotypically normal individual and lack of supporting pathogenic evidence, this variant is classified as likely benign.